The following is an entry in ClinVar:

NM_020693.4(DSCAML1):c.5879C>T (p.Ala1960Val)

Gene: DSCAML1 (DS cell adhesion molecule like 1; minus strand). Cytogenetic location: 11q23.3.
Variant type: single nucleotide variant.
Coding change: c.5879C>T on transcript NM_020693.4 (MANE Select); coding-DNA position 5879, C replaced by T.
Protein change: p.Ala1960Val; replaces alanine 1960 with valine.
Molecular consequence: missense variant.
Genome position (GRCh38, 1-based): chr11:117,428,611, G>A on the plus strand (C>T on the coding strand, the complement: DSCAML1 is on the minus strand). VCF-style: chr11-117428611-G-A. GRCh37 (hg19) VCF-style: chr11-117299327-G-A.
Other names: short protein forms A1960V.
Identifiers: ClinVar variation 2413676 (VCV002413676.6), dbSNP rs546069251, ClinGen allele CA6295942.
Genomic context (GRCh38, chr11:117,428,611, plus strand): 5'-GGGGGGGCTGGCATGGCCAGAGTCCTCTGAGGTAAGGTGGCTGTGGAGGCGGCAGCGGGG[G>A]CCCCTGGGTGGGGAAGGCCCAAGGACTTGCTGGCAGGGTCCAGGGTCAGGTGGCGAGCCT-3'
Protein context (NP_065744.3, residues 1950-1970): SKSLGLPHPG[Ala1960Val]PAAASTATLP

ClinVar aggregate classification (germline): Uncertain significance (1 of 4 stars; one submission).

gnomAD v4.1: 4 of 1,606,996 alleles (0.00025%); highest among the groups gnomAD compares: Admixed American, 0.0034%; no homozygotes.

Submission:

Labcorp Genetics (formerly Invitae), Labcorp
Classification: Uncertain significance. Last evaluated: 2022-01-16. Review status: criteria provided, single submitter. Criteria: Invitae Variant Classification Sherloc (09022015). Collection method: clinical testing. Allele origin: germline.
Comment: Algorithms developed to predict the effect of missense changes on protein structure and function (SIFT, PolyPhen-2, Align-GVGD) all suggest that this variant is likely to be tolerated. This variant has not been reported in the literature in individuals affected with DSCAML1-related conditions. This variant is present in population databases (rs546069251, gnomAD 0.003%). This sequence change replaces alanine, which is neutral and non-polar, with valine, which is neutral and non-polar, at codon 2020 of the DSCAML1 protein (p.Ala2020Val). In summary, the available evidence is currently insufficient to determine the role of this variant in disease. Therefore, it has been classified as a Variant of Uncertain Significance.